The following is an entry in ClinVar:

NM_001003787.4(STRADA):c.135G>A (p.Ala45=)

Gene: STRADA (STE20 related adaptor alpha; minus strand). Cytogenetic location: 17q23.3.
Variant type: single nucleotide variant.
Coding change: c.135G>A on transcript NM_001003787.4 (MANE Select); coding-DNA position 135, G replaced by A.
Protein change: p.Ala45=; no amino-acid change (alanine 45 retained).
Molecular consequence: synonymous variant. On other transcripts: 5 prime UTR variant (3), non-coding transcript variant (1), intron variant (1).
Genome position (GRCh38, 1-based): chr17:63,714,097, C>T on the plus strand (G>A on the coding strand, the complement: STRADA is on the minus strand). VCF-style: chr17-63714097-C-T. GRCh37 (hg19) VCF-style: chr17-61791457-C-T.
Other names: p.Ala45=; c.24G>A, p.Ala8= (NM_001003786.3, NM_001363789.1, NM_153335.6); c.-40G>A (NM_001003788.3, NM_001363790.1, NM_001363791.1); c.48G>A, p.Ala16= (NM_001165969.2, NM_001363787.1); c.111G>A, p.Ala37= (NM_001363786.1); c.135G>A, p.Ala45= (NM_001363788.1); c.95-570G>A (NM_001165970.2).
Identifiers: ClinVar variation 212324 (VCV000212324.47), dbSNP rs56163554, ClinGen allele CA207827.

ClinVar aggregate classification (germline): Conflicting classifications of pathogenicity. Review status: criteria provided, conflicting classifications (1 of 4 stars). 8 submissions from 8 submitters: Uncertain significance (1); Benign (2); Likely benign (2). 3 of the submissions do not count toward it. Last evaluated 2026-07-01.

Conditions:
STRADA-related disorder. Also called: STRADA-related condition.
Polyhydramnios, megalencephaly, and symptomatic epilepsy (PMSE). Also called: PMSE SYNDROME. Identifiers: Orphanet 500533, MedGen C1970203, MONDO:0012611, OMIM 611087.

Allele frequency attached by ClinVar (database versions not stated): 1000 Genomes Project 30x 0.00141; gnomAD 0.00154 and 0.00173; 1000 Genomes Project 0.00160; TOPMed 0.00162; ESP Exome Variant Server 0.00185; gnomAD exomes 0.00222 and 0.00257; ExAC 0.00257.
gnomAD v4.1: 3,554 of 1,613,312 alleles (0.22%); highest among the groups gnomAD compares: Middle Eastern, 0.89%; 13 homozygotes.

Submissions (8):

CeGaT Center for Human Genetics Tuebingen
Classification: Likely benign. Last evaluated: 2026-07-01. Review status: criteria provided, single submitter. Criteria: CeGaT Center For Human Genetics Tuebingen Variant Classification Criteria Version 2. Collection method: clinical testing. Allele origin: germline. Affected: yes. Observed: 15 variant alleles.
Comment: STRADA: BP4, BP7

Labcorp Genetics (formerly Invitae), Labcorp
Classification: Benign for Polyhydramnios, megalencephaly, and symptomatic epilepsy. Last evaluated: 2026-02-01. Review status: criteria provided, single submitter. Criteria: Invitae Variant Classification Sherloc (09022015). Collection method: clinical testing. Allele origin: germline.

Mayo Clinic Laboratories, Mayo Clinic
Classification: Benign. Last evaluated: 2024-12-27. Review status: criteria provided, single submitter. Criteria: ACMG Guidelines, 2015. Collection method: clinical testing. Allele origin: germline. Observed: 1 variant allele.
Comment: BA1, BP4, BP7

Blueprint Genetics
Classification: Likely benign. Last evaluated: 2024-11-08. Review status: criteria provided, single submitter. Criteria: ACMG Guidelines, 2015. Collection method: clinical testing. Allele origin: germline.

Genetic Services Laboratory, University of Chicago
Classification: Uncertain significance. Last evaluated: 2015-07-15. Review status: criteria provided, single submitter. Criteria: ACMG Guidelines, 2015. Collection method: clinical testing. Allele origin: germline.

PreventionGenetics, part of Exact Sciences
Classification: Likely benign for STRADA-related condition. Last evaluated: 2019-06-20. Review status: no assertion criteria provided. Collection method: clinical testing. Allele origin: germline. Not counted in ClinVar's aggregate classification.
Comment: This variant is classified as likely benign based on ACMG/AMP sequence variant interpretation guidelines (Richards et al. 2015 PMID: 25741868, with internal and published modifications).

Clinical Genetics DNA and cytogenetics Diagnostics Lab, Erasmus MC, Erasmus Medical Center
Classification: Likely benign. Review status: no assertion criteria provided. Collection method: clinical testing. Allele origin: germline. Affected: yes. Study: VKGL Data-share Consensus. Not counted in ClinVar's aggregate classification.

Genome Diagnostics Laboratory, University Medical Center Utrecht
Classification: Likely benign. Review status: no assertion criteria provided. Collection method: clinical testing. Allele origin: germline. Affected: yes. Study: VKGL Data-share Consensus. Not counted in ClinVar's aggregate classification.